The following is an entry in ClinVar:

ClinVar aggregate classification (germline): Pathogenic (1 of 4 stars; one submission).

Conditions:
Hereditary nonpolyposis colorectal neoplasms. Identifiers: MedGen C0009405, MeSH D003123.

Submission:

Labcorp Genetics (formerly Invitae), Labcorp
Classification: Pathogenic for Hereditary nonpolyposis colon cancer. Last evaluated: 2019-06-26. Review status: criteria provided, single submitter. Criteria: Invitae Variant Classification Sherloc (09022015). Collection method: clinical testing. Allele origin: germline.
Comment: This variant is a gross deletion of the genomic region encompassing exons 12-15 of the PMS2 gene. The 5' boundary is likely confined to intron 11. The 3' end of this event is unknown as it extends through the termination codon beyond the assayed region for this gene and may encompass additional genes. While this deletion is not anticipated to result in nonsense mediated decay, it is expected to create a truncated PMS2 protein. Similar deletions of exons 12-15 have been observed in individuals with clinical features of Lynch syndrome (PMID: 23012243, 27589204). Sub-genic deletion of exons 14-15, disrupting the C-terminal portion of the MLH1 interaction domain that is required for PMS2-MLH1 dimerization (PMID: 10037723) and mismatch repair activity (PMID: 16338176, 20533529), has been determined to be pathogenic (PMID: 21618646, 24440087, 26318770, Invitae). Therefore, deletions that fully encompass that region are also expected to be pathogenic. For these reasons, this variant has been classified as Pathogenic.

Literature cited by the submitters: PubMed 16338176; PubMed 21618646; PubMed 24440087; PubMed 20533529; PubMed 26318770; PubMed 27589204; PubMed 10037723; PubMed 23012243.

NC_000007.14:g.(?_5973389)_(5983001_?)del

Gene: PMS2 (PMS1 homolog 2, mismatch repair system component; minus strand). Cytogenetic location: 7p22.1.
Variant type: Deletion.
Identifiers: ClinVar variation 583516 (VCV000583516.3).